The following is an entry in ClinVar:

NM_000038.6(APC):c.1153G>C (p.Ala385Pro)

Gene: APC (APC regulator of Wnt signaling pathway; plus strand). Cytogenetic location: 5q22.2.
Variant type: single nucleotide variant.
Coding change: c.1153G>C on transcript NM_000038.6 (MANE Select); coding-DNA position 1153, G replaced by C.
Protein change: p.Ala385Pro; replaces alanine 385 with proline.
Molecular consequence: missense variant. On other transcripts: non-coding transcript variant (2), intron variant (15).
Genome position (GRCh38, 1-based): chr5:112,819,185, G>C. VCF-style: chr5-112819185-G-C. GRCh37 (hg19) VCF-style: chr5-112154882-G-C.
Other names: c.1153G>C, p.Ala385Pro (NM_001127510.3, NM_001354895.2, NM_001354896.2 and 4 more transcripts); c.1099G>C, p.Ala367Pro (NM_001127511.3); c.1183G>C, p.Ala395Pro (NM_001354897.2, NM_001407446.1); c.1078G>C, p.Ala360Pro (NM_001354898.2, NM_001407451.1); c.1069G>C, p.Ala357Pro (NM_001354899.2, NM_001407452.1); c.976G>C, p.Ala326Pro (NM_001354900.2, NM_001354901.2, NM_001407453.1); c.304G>C, p.Ala102Pro (NM_001354906.2, NM_001407470.1); c.85-84G>C (NM_001407472.1, NM_001407471.1); and 5 more; short protein forms A326P, A385P, A360P, A367P, A102P, A395P, A357P.
Identifiers: ClinVar variation 4120687 (VCV004120687.1).

ClinVar aggregate classification (germline): Uncertain significance (1 of 4 stars; one submission).

Conditions:
Hereditary cancer-predisposing syndrome. Also called: Hereditary neoplastic syndrome; Neoplastic Syndromes, Hereditary; Tumor predisposition; Hereditary Cancer Syndrome. Identifiers: Orphanet 140162, MedGen C0027672, MeSH D009386, MONDO:0015356.

Submission:

Ambry Genetics
Classification: Uncertain significance for Hereditary cancer-predisposing syndrome. Last evaluated: 2025-06-29. Review status: criteria provided, single submitter. Criteria: Ambry Variant Classification Scheme 2023. Collection method: clinical testing. Allele origin: germline.
Comment: The p.A385P variant (also known as c.1153G>C), located in coding exon 9 of the APC gene, results from a G to C substitution at nucleotide position 1153. The alanine at codon 385 is replaced by proline, an amino acid with highly similar properties. This amino acid position is conserved. In addition, in silico predictors for this gene do not accurately predict pathogenicity. Based on the available evidence, the clinical significance of this variant remains unclear.